The following is an entry in ClinVar:

ClinVar aggregate classification (germline): Uncertain significance. Review status: criteria provided, multiple submitters, no conflicts (2 of 4 stars). 2 submissions from 2 submitters: Uncertain significance (2). Last evaluated 2025-12-16.

Conditions:
Pallister-Hall syndrome (PHS). Also called: GLI3-Related Pallister-Hall Syndrome; HYPOTHALAMIC HAMARTOBLASTOMA, HYPOPITUITARISM, IMPERFORATE ANUS, AND POSTAXIAL POLYDACTYLY. Identifiers: Orphanet 672, MedGen C0265220, MONDO:0007804, OMIM 146510.
Greig cephalopolysyndactyly syndrome (GCPS). Also called: GLI3-Related Greig Cephalopolysyndactyly Syndrome; POLYSYNDACTYLY WITH PECULIAR SKULL SHAPE; Greig syndrome. Identifiers: Orphanet 380, MedGen C0265306, MONDO:0008287, OMIM 175700.
Inborn genetic diseases. Identifiers: MedGen C0950123, MeSH D030342.

gnomAD v4.1: 1 of 1,614,154 alleles (0.000062%); highest among the groups gnomAD compares: Non-Finnish European, 0.000085%; no homozygotes.

Submissions (2):

Ambry Genetics
Classification: Uncertain significance for Inborn genetic diseases. Last evaluated: 2025-12-16. Review status: criteria provided, single submitter. Criteria: Ambry Variant Classification Scheme 2023. Collection method: clinical testing. Allele origin: germline.

Labcorp Genetics (formerly Invitae), Labcorp
Classification: Uncertain significance for Pallister-Hall syndrome; Greig cephalopolysyndactyly syndrome. Last evaluated: 2025-01-06. Review status: criteria provided, single submitter. Criteria: Invitae Variant Classification Sherloc (09022015). Collection method: clinical testing. Allele origin: germline.
Comment: This sequence change replaces threonine, which is neutral and polar, with alanine, which is neutral and non-polar, at codon 77 of the GLI3 protein (p.Thr77Ala). This variant is not present in population databases (gnomAD no frequency). This variant has not been reported in the literature in individuals affected with GLI3-related conditions. Invitae Evidence Modeling of protein sequence and biophysical properties (such as structural, functional, and spatial information, amino acid conservation, physicochemical variation, residue mobility, and thermodynamic stability) indicates that this missense variant is not expected to disrupt GLI3 protein function with a negative predictive value of 95%. In summary, the available evidence is currently insufficient to determine the role of this variant in disease. Therefore, it has been classified as a Variant of Uncertain Significance.

NM_000168.6(GLI3):c.229A>G (p.Thr77Ala)

Gene: GLI3 (GLI family zinc finger 3; minus strand). Cytogenetic location: 7p14.1.
Variant type: single nucleotide variant.
Coding change: c.229A>G on transcript NM_000168.6 (MANE Select); coding-DNA position 229, A replaced by G.
Protein change: p.Thr77Ala; replaces threonine 77 with alanine.
Molecular consequence: missense variant.
Genome position (GRCh38, 1-based): chr7:42,148,364, T>C on the plus strand (A>G on the coding strand, the complement: GLI3 is on the minus strand). VCF-style: chr7-42148364-T-C. GRCh37 (hg19) VCF-style: chr7-42187963-T-C.
Other names: c.229A>G (NM_000168.5); short protein forms T77A.
Identifiers: ClinVar variation 3763478 (VCV003763478.3).